The following is an entry in ClinVar:

NM_001352027.3(PHF21A):c.1684+2T>A

Gene: PHF21A (PHD finger protein 21A; minus strand). Cytogenetic location: 11p11.2.
Variant type: single nucleotide variant.
Coding change: c.1684+2T>A on transcript NM_001352027.3 (MANE Select); the canonical splice donor site of the intron after coding-DNA position 1684, T replaced by A.
Molecular consequence: splice donor variant.
Genome position (GRCh38, 1-based): chr11:45,936,492, A>T on the plus strand (T>A on the coding strand, the complement: PHF21A is on the minus strand). VCF-style: chr11-45936492-A-T. GRCh37 (hg19) VCF-style: chr11-45958043-A-T.
Other names: c.1540+2T>A (NM_001352030.3, NM_001352031.3, NM_001352032.3); c.1681+2T>A (NM_001101802.3); c.1684+2T>A (NM_001352026.3, NM_001352025.3); c.1543+2T>A (NM_016621.5, NM_001352028.1, NM_001352029.1).
Identifiers: ClinVar variation 2771859 (VCV002771859.3), dbSNP rs2495688598, ClinGen allele CA380255700.

ClinVar aggregate classification (germline): Likely pathogenic (1 of 4 stars; one submission).

Submission:

Labcorp Genetics (formerly Invitae), Labcorp
Classification: Likely pathogenic. Last evaluated: 2023-10-25. Review status: criteria provided, single submitter. Criteria: Invitae Variant Classification Sherloc (09022015). Collection method: clinical testing. Allele origin: germline.
Comment: This sequence change affects a donor splice site in intron 16 of the PHF21A gene. It is expected to disrupt RNA splicing. Variants that disrupt the donor or acceptor splice site typically lead to a loss of protein function (PMID: 16199547), and loss-of-function variants in PHF21A are known to be pathogenic (PMID: 30487643). This variant is not present in population databases (gnomAD no frequency). This variant has not been reported in the literature in individuals affected with PHF21A-related conditions. Algorithms developed to predict the effect of sequence changes on RNA splicing suggest that this variant may disrupt the consensus splice site. In summary, the currently available evidence indicates that the variant is pathogenic, but additional data are needed to prove that conclusively. Therefore, this variant has been classified as Likely Pathogenic.

Literature cited by the submitters: PubMed 16199547; PubMed 30487643.